The following is an entry in ClinVar:

ClinVar aggregate classification (germline): Conflicting classifications of pathogenicity. Review status: criteria provided, conflicting classifications (1 of 4 stars). 4 submissions from 4 submitters: Uncertain significance (1); Likely benign (2). 1 of the submissions does not count toward it. Last evaluated 2026-04-01.

Conditions:
Inborn genetic diseases. Identifiers: MedGen C0950123, MeSH D030342.
SRRM2-related disorder. Also called: SRRM2-related condition.
Intellectual developmental disorder, autosomal dominant 72 (MRD72). Identifiers: Orphanet 652487, MedGen C5830612, MONDO:0957397, OMIM 620439.

Allele frequency attached by ClinVar (database versions not stated): 1000 Genomes Project 30x 0.00062; 1000 Genomes Project 0.00080; ExAC 0.00096; gnomAD 0.00104; TOPMed 0.00110; ESP Exome Variant Server 0.00139; gnomAD exomes 0.00166.

Submissions (4):

CeGaT Center for Human Genetics Tuebingen
Classification: Likely benign. Last evaluated: 2026-04-01. Review status: criteria provided, single submitter. Criteria: CeGaT Center For Human Genetics Tuebingen Variant Classification Criteria Version 2. Collection method: clinical testing. Allele origin: germline. Affected: yes. Observed: 2 variant alleles.
Comment: SRRM2: BP4, BS1

ARUP Laboratories, Molecular Genetics and Genomics, ARUP Laboratories
Classification: Likely benign for Intellectual developmental disorder, autosomal dominant 72. Last evaluated: 2024-07-03. Review status: criteria provided, single submitter. Criteria: ARUP Molecular Germline Variant Investigation Process 2024. Collection method: clinical testing. Allele origin: germline.

Ambry Genetics
Classification: Uncertain significance for Inborn genetic diseases. Last evaluated: 2022-12-15. Review status: criteria provided, single submitter. Criteria: Ambry Variant Classification Scheme 2023. Collection method: clinical testing. Allele origin: germline.

PreventionGenetics, part of Exact Sciences
Classification: Likely benign for SRRM2-related condition. Last evaluated: 2022-06-21. Review status: no assertion criteria provided. Collection method: clinical testing. Allele origin: germline. Not counted in ClinVar's aggregate classification.
Comment: This variant is classified as likely benign based on ACMG/AMP sequence variant interpretation guidelines (Richards et al. 2015 PMID: 25741868, with internal and published modifications).

NM_016333.4(SRRM2):c.7259C>T (p.Thr2420Ile)

Gene: SRRM2 (serine/arginine repetitive matrix 2; plus strand). Cytogenetic location: 16p13.3.
Variant type: single nucleotide variant.
Coding change: c.7259C>T on transcript NM_016333.4 (MANE Select); coding-DNA position 7259, C replaced by T.
Protein change: p.Thr2420Ile; replaces threonine 2420 with isoleucine.
Molecular consequence: missense variant.
Genome position (GRCh38, 1-based): chr16:2,767,787, C>T. VCF-style: chr16-2767787-C-T. GRCh37 (hg19) VCF-style: chr16-2817788-C-T.
Other names: short protein forms T2420I.
Identifiers: ClinVar variation 2398337 (VCV002398337.9), dbSNP rs150813518, ClinGen allele CA7849008.